The following is an entry in ClinVar:

NM_004973.4(JARID2):c.744C>T (p.Pro248=)

Gene: JARID2 (jumonji and AT-rich interaction domain containing 2; plus strand). Cytogenetic location: 6p22.3.
Variant type: single nucleotide variant.
Coding change: c.744C>T on transcript NM_004973.4 (MANE Select); coding-DNA position 744, C replaced by T.
Protein change: p.Pro248=; no amino-acid change (proline 248 retained).
Molecular consequence: synonymous variant.
Genome position (GRCh38, 1-based): chr6:15,487,380, C>T. VCF-style: chr6-15487380-C-T. GRCh37 (hg19) VCF-style: chr6-15487611-C-T.
Other names: c.228C>T, p.Pro76= (NM_001267040.1).
Identifiers: ClinVar variation 3056803 (VCV003056803.2), dbSNP rs147119452, ClinGen allele CA3642678.

ClinVar aggregate classification (germline): Likely benign (0 of 4 stars; one submission).

Conditions:
JARID2-related disorder. Also called: JARID2-related condition.

Allele frequency attached by ClinVar (database versions not stated): gnomAD exomes 0.00001; ExAC 0.00004; gnomAD 0.00005; TOPMed 0.00012; ESP Exome Variant Server 0.00015; 1000 Genomes Project 30x 0.00016; 1000 Genomes Project 0.00020.
gnomAD v4.1: 20 of 1,614,216 alleles (0.0012%); highest among the groups gnomAD compares: African/African-American, 0.013%; no homozygotes.

Submission:

PreventionGenetics, part of Exact Sciences
Classification: Likely benign for JARID2-related condition. Last evaluated: 2019-05-02. Review status: no assertion criteria provided. Collection method: clinical testing. Allele origin: germline.
Comment: This variant is classified as likely benign based on ACMG/AMP sequence variant interpretation guidelines (Richards et al. 2015 PMID: 25741868, with internal and published modifications).